The following is an entry in ClinVar:

NM_001099922.3(ALG13):c.950A>T (p.Tyr317Phe)

Gene: ALG13 (ALG13 UDP-N-acetylglucosaminyltransferase subunit; plus strand). Cytogenetic location: Xq23.
Variant type: single nucleotide variant.
Coding change: c.950A>T on transcript NM_001099922.3 (MANE Select); coding-DNA position 950, A replaced by T.
Protein change: p.Tyr317Phe; replaces tyrosine 317 with phenylalanine.
Molecular consequence: missense variant. On other transcripts: non-coding transcript variant (1).
Genome position (GRCh38, 1-based): chrX:111,713,242, A>T. VCF-style: chrX-111713242-A-T. GRCh37 (hg19) VCF-style: chrX-110956470-A-T.
Other names: c.638A>T, p.Tyr213Phe (NM_001257230.2, NM_001257234.2, NM_001257237.2 and 1 more transcripts); c.716A>T, p.Tyr239Phe (NM_001257231.2); c.950A>T, p.Tyr317Phe (NM_001324292.2); short protein forms Y213F, Y239F, Y317F.
Identifiers: ClinVar variation 2134580 (VCV002134580.4), dbSNP rs2525662887, ClinGen allele CA414250498.

ClinVar aggregate classification (germline): Uncertain significance (1 of 4 stars; one submission).

Conditions:
Developmental and epileptic encephalopathy, 36 (DEE36). Also called: ALG13-CDG; Congenital disorder of glycosylation, type Is; Epileptic encephalopathy, early infantile, 36. Identifiers: Orphanet 324422, MedGen C4317295, MONDO:0010472, OMIM 300884.

Submission:

Labcorp Genetics (formerly Invitae), Labcorp
Classification: Uncertain significance for Developmental and epileptic encephalopathy, 36. Last evaluated: 2024-01-24. Review status: criteria provided, single submitter. Criteria: Invitae Variant Classification Sherloc (09022015). Collection method: clinical testing. Allele origin: germline.
Comment: This sequence change replaces tyrosine, which is neutral and polar, with phenylalanine, which is neutral and non-polar, at codon 317 of the ALG13 protein (p.Tyr317Phe). This variant is not present in population databases (gnomAD no frequency). This variant has not been reported in the literature in individuals affected with ALG13-related conditions. ClinVar contains an entry for this variant (Variation ID: 2134580). Advanced modeling of protein sequence and biophysical properties (such as structural, functional, and spatial information, amino acid conservation, physicochemical variation, residue mobility, and thermodynamic stability) performed at Invitae indicates that this missense variant is not expected to disrupt ALG13 protein function with a negative predictive value of 80%. In summary, the available evidence is currently insufficient to determine the role of this variant in disease. Therefore, it has been classified as a Variant of Uncertain Significance.